The following is an entry in ClinVar:

ClinVar aggregate classification (germline): Uncertain significance (1 of 4 stars; one submission).

Conditions:
Dilated cardiomyopathy 1DD (CMD1DD). Identifiers: Orphanet 154, MedGen C2750995, MONDO:0013168, OMIM 613172.

Allele frequency attached by ClinVar (database versions not stated): gnomAD 0.00001.
gnomAD v4.1: 1 of 1,551,658 alleles (0.000064%); highest among the groups gnomAD compares: Non-Finnish European, 0.000087%; no homozygotes.

Submission:

Labcorp Genetics (formerly Invitae), Labcorp
Classification: Uncertain significance for Dilated cardiomyopathy 1DD. Last evaluated: 2021-08-07. Review status: criteria provided, single submitter. Criteria: Invitae Variant Classification Sherloc (09022015). Collection method: clinical testing. Allele origin: germline.
Comment: In summary, the available evidence is currently insufficient to determine the role of this variant in disease. Therefore, it has been classified as a Variant of Uncertain Significance. Advanced modeling of protein sequence and biophysical properties (such as structural, functional, and spatial information, amino acid conservation, physicochemical variation, residue mobility, and thermodynamic stability) performed at Invitae indicates that this missense variant is not expected to disrupt RBM20 protein function. This variant has not been reported in the literature in individuals affected with RBM20-related conditions. This variant is not present in population databases (ExAC no frequency). This sequence change replaces lysine with glutamic acid at codon 1009 of the RBM20 protein (p.Lys1009Glu). The lysine residue is highly conserved and there is a small physicochemical difference between lysine and glutamic acid.

NM_001134363.3(RBM20):c.3025A>G (p.Lys1009Glu)

Gene: RBM20 (RNA binding motif protein 20; plus strand). Cytogenetic location: 10q25.2.
Variant type: single nucleotide variant.
Coding change: c.3025A>G on transcript NM_001134363.3 (MANE Select); coding-DNA position 3025, A replaced by G.
Protein change: p.Lys1009Glu; replaces lysine 1009 with glutamic acid.
Molecular consequence: missense variant.
Genome position (GRCh38, 1-based): chr10:110,821,644, A>G. VCF-style: chr10-110821644-A-G. GRCh37 (hg19) VCF-style: chr10-112581402-A-G.
Other names: short protein forms K1009E.
Identifiers: ClinVar variation 1368648 (VCV001368648.6), dbSNP rs1344905271, ClinGen allele CA378379037.